The following is an entry in ClinVar:

NM_005984.5(SLC25A1):c.748-11_748-10dup

Gene: SLC25A1 (solute carrier family 25 member 1; minus strand). Cytogenetic location: 22q11.21.
Variant type: Duplication.
Coding change: c.748-11_748-10dup on transcript NM_005984.5 (MANE Select); 11 bases into the intron before coding-DNA position 748 through 10 bases into the intron before coding-DNA position 748, 2 bases duplicated (GT; older notation c.748-11_748-10dupGT).
Molecular consequence: intron variant.
Genome position (GRCh38, 1-based): chr22:19,176,504-19,176,505, AC duplicated on the plus strand (GT on the coding strand, the reverse complement: SLC25A1 is on the minus strand); duplicating any 2 consecutive bases within chr22:19,176,504-19,176,506 gives the same sequence; the c. name uses the placement nearest the transcript's 3' end. VCF-style (leftmost placement, unchanged base first): chr22-19176503-G-GAC. GRCh37 (hg19) VCF-style: chr22-19164016-G-GAC.
Other names: c.439-11_439-10dup (NM_001287387.2); c.769-11_769-10dup (NM_001256534.2).
Identifiers: ClinVar variation 3049907 (VCV003049907.2), dbSNP rs781795825, ClinGen allele CA10097304.

ClinVar aggregate classification (germline): Likely benign (0 of 4 stars; one submission).

Conditions:
SLC25A1-related disorder. Also called: SLC25A1-related condition.

Submission:

PreventionGenetics, part of Exact Sciences
Classification: Likely benign for SLC25A1-related condition. Last evaluated: 2019-07-24. Review status: no assertion criteria provided. Collection method: clinical testing. Allele origin: germline.
Comment: This variant is classified as likely benign based on ACMG/AMP sequence variant interpretation guidelines (Richards et al. 2015 PMID: 25741868, with internal and published modifications).